The following is an entry in ClinVar:

ClinVar aggregate classification (germline): Pathogenic. Review status: criteria provided, multiple submitters, no conflicts (2 of 4 stars). 2 submissions from 2 submitters: Pathogenic (2). Last evaluated 2024-05-09.

Conditions:
DICER1-related tumor predisposition. Also called: DICER1 syndrome; DICER1-related pleuropulmonary blastoma cancer predisposition syndrome. Identifiers: Orphanet 284343, MedGen C3839822, MONDO:0100216.
Hereditary cancer-predisposing syndrome. Also called: Neoplastic Syndromes, Hereditary; Hereditary Cancer Syndrome; Hereditary neoplastic syndrome; Tumor predisposition. Identifiers: Orphanet 140162, MedGen C0027672, MeSH D009386, MONDO:0015356.

Submissions (2):

Ambry Genetics
Classification: Pathogenic for Hereditary cancer-predisposing syndrome. Last evaluated: 2024-05-09. Review status: criteria provided, single submitter. Criteria: Ambry Variant Classification Scheme 2023. Collection method: clinical testing. Allele origin: germline.
Comment: The c.4035_4039delTATGA pathogenic mutation, located in coding exon 20 of the DICER1 gene, results from a deletion of 5 nucleotides at nucleotide positions 4035 to 4039, causing a translational frameshift with a predicted alternate stop codon (p.Y1345*). This variant has been observed in at least one individual with a personal and/or family history that is consistent with DICER1-related tumor predisposition syndrome (Ambry internal data). This alteration is expected to result in loss of function by premature protein truncation or nonsense-mediated mRNA decay. This variant is considered to be rare based on population cohorts in the Genome Aggregation Database (gnomAD). As such, this alteration is interpreted as a disease-causing mutation.

Labcorp Genetics (formerly Invitae), Labcorp
Classification: Pathogenic for DICER1-related tumor predisposition. Last evaluated: 2019-07-15. Review status: criteria provided, single submitter. Criteria: Invitae Variant Classification Sherloc (09022015). Collection method: clinical testing. Allele origin: germline.
Comment: For these reasons, this variant has been classified as Pathogenic. Loss-of-function variants in DICER1 are known to be pathogenic (PMID: 19556464, 21266384). This variant has not been reported in the literature in individuals with DICER1-related conditions. This variant is not present in population databases (ExAC no frequency). This sequence change creates a premature translational stop signal (p.Tyr1345*) in the DICER1 gene. It is expected to result in an absent or disrupted protein product.

Literature cited by the submitters: PubMed 19556464 (cited by Labcorp Genetics (formerly Invitae), Labcorp); PubMed 21266384 (cited by Labcorp Genetics (formerly Invitae), Labcorp).

NM_177438.3(DICER1):c.4035_4039del (p.Tyr1345_Arg1347delinsTer)

Gene: DICER1 (dicer 1, ribonuclease III; minus strand). Cytogenetic location: 14q32.13.
Variant type: Deletion.
Coding change: c.4035_4039del on transcript NM_177438.3 (MANE Select); coding-DNA positions 4035 to 4039, 5 bases deleted (TATGA; older notation c.4035_4039delTATGA).
Protein change: p.Tyr1345_Arg1347delinsTer.
Molecular consequence: nonsense.
Genome position (GRCh38, 1-based): chr14:95,103,357-95,103,361, TCATA deleted on the plus strand (TATGA on the coding strand, the reverse complement: DICER1 is on the minus strand); deleting any 5 consecutive bases within chr14:95,103,357-95,103,362 gives the same sequence; the c. name uses the placement nearest the transcript's 3' end. VCF-style (leftmost placement, unchanged base first): chr14-95103356-CTCATA-C. GRCh37 (hg19) VCF-style: chr14-95569693-CTCATA-C.
Other names: c.4035_4039delTATGA (NM_177438.2); c.4035_4039del, p.Tyr1345_Arg1347delinsTer (NM_001195573.1, NM_001271282.3, NM_001291628.2 and 1 more transcripts).
Identifiers: ClinVar variation 852550 (VCV000852550.10), dbSNP rs1891066038, ClinGen allele CA916081741.
Genomic context (GRCh38, chr14:95,103,356, plus strand): 5'-TCAGGCACACTGAATAATTAACTGCTCAAAATAAAAAAATCATCTCTTACCTTTTTGCTT[CTCATA>C]TATGAAAGGCGGCCCTCATGCGCATCAGGGTAAGTGCAAAATAGATATGTGGTGATGGCA-3'